The following is an entry in ClinVar:

ClinVar aggregate classification (germline): Pathogenic/Likely pathogenic. Review status: criteria provided, multiple submitters, no conflicts (2 of 4 stars). 5 submissions from 5 submitters: Pathogenic (3); Likely pathogenic (1). 1 of the submissions does not count toward it. Last evaluated 2025-11-13.

Conditions:
ABCA4-related disorder. Also called: ABCA4-related disorders; ABCA4-related condition. Identifiers: MedGen CN239167.
Retinitis pigmentosa (RP). Identifiers: Orphanet 791, MedGen C0035334, MeSH D012174, MONDO:0019200, OMIM 268000. Inheritance: Autosomal dominant, autosomal recessive and X linked inheritance.

Allele frequency attached by ClinVar (database versions not stated): TOPMed 0.00001.
gnomAD v4.1: 7 of 1,614,086 alleles (0.00043%); highest among the groups gnomAD compares: African/African-American, 0.0027%; no homozygotes.

Submissions (5):

Women's Health and Genetics/Laboratory Corporation of America, LabCorp
Classification: Pathogenic for Retinitis pigmentosa. Last evaluated: 2025-11-13. Review status: criteria provided, single submitter. Criteria: LabCorp Variant Classification Summary - May 2015. Collection method: clinical testing. Allele origin: germline.
Comment: Variant summary: ABCA4 c.6229C>G (p.Arg2077Gly) results in a non-conservative amino acid change in the encoded protein sequence. Algorithms developed to predict the effect of missense changes on protein structure and function all suggest that this variant is likely to be disruptive. The variant allele was found at a frequency of 4e-06 in 251436 control chromosomes. c.6229C>G has been observed in the presumed compound heterozygous state in multiple individual(s) affected with Stargardt disease or cone dystrophy (example, Zernant_2014, Lee_2022, Rivera_2000, Cornelis_2022, Paavo_2018, Thiadens_2012, Labcorp Genetics (formerly Invitae)). These data indicate that the variant is likely to be associated with disease. A different variant affecting the same codon has been classified as likely pathogenic/pathogenic by our lab (c.6229C>T, p.Arg2077Trp), supporting the critical relevance of codon 2077 to ABCA4 protein function. To our knowledge, no experimental evidence demonstrating an impact on protein function has been reported. The following publications have been ascertained in the context of this evaluation (PMID: 22264887, 40269797, 24397708, 25066811, 35477481, 34874912, 10958763, 35120629, 31964843, 29847651, 28446513, 22264887). ClinVar contains an entry for this variant (Variation ID: 99437). Based on the evidence outlined above, the variant was classified as pathogenic.

Labcorp Genetics (formerly Invitae), Labcorp
Classification: Pathogenic. Last evaluated: 2025-10-21. Review status: criteria provided, single submitter. Criteria: Invitae Variant Classification Sherloc (09022015). Collection method: clinical testing. Allele origin: germline.
Comment: This sequence change replaces arginine, which is basic and polar, with glycine, which is neutral and non-polar, at codon 2077 of the ABCA4 protein (p.Arg2077Gly). This variant is present in population databases (rs61750645, gnomAD 0.007%). This missense change has been observed in individuals with ABCA4-related disease (PMID: 22264887, 29847651; internal data). ClinVar contains an entry for this variant (Variation ID: 99437). Invitae Evidence Modeling of protein sequence and biophysical properties (such as structural, functional, and spatial information, amino acid conservation, physicochemical variation, residue mobility, and thermodynamic stability) indicates that this missense variant is expected to disrupt ABCA4 protein function with a positive predictive value of 95%. This variant disrupts the p.Arg2077 amino acid residue in ABCA4. Other variant(s) that disrupt this residue have been determined to be pathogenic (PMID: 28559085, 29847635). This suggests that this residue is clinically significant, and that variants that disrupt this residue are likely to be disease-causing. For these reasons, this variant has been classified as Pathogenic.

GeneDx
Classification: Pathogenic. Last evaluated: 2023-01-17. Review status: criteria provided, single submitter. Criteria: GeneDx Variant Classification Process June 2021. Collection method: clinical testing. Allele origin: germline. Affected: yes.
Comment: In silico analysis, which includes protein predictors and evolutionary conservation, supports a deleterious effect; Not observed at a significant frequency in large population cohorts (gnomAD); This variant is associated with the following publications: (PMID: 25066811, 22264887, 10958763, 24397708)

Blueprint Genetics
Classification: Likely pathogenic for ABCA4-related disorders. Last evaluated: 2018-11-22. Review status: criteria provided, single submitter. Criteria: ACMG Guidelines, 2015. Collection method: clinical testing. Allele origin: germline. Affected: yes. Observed: 1 variant allele.

Retina International
No classification provided. Review status: no classification provided. Collection method: not provided. Allele origin: not provided. Not counted in ClinVar's aggregate classification.

Literature cited by the submitters: PubMed 31964843 (cited by Women's Health and Genetics/Laboratory Corporation of America, LabCorp); PubMed 28446513 (cited by Women's Health and Genetics/Laboratory Corporation of America, LabCorp); PubMed 10958763 (cited by Women's Health and Genetics/Laboratory Corporation of America, LabCorp); PubMed 25066811 (cited by Women's Health and Genetics/Laboratory Corporation of America, LabCorp); PubMed 35120629 (cited by Women's Health and Genetics/Laboratory Corporation of America, LabCorp); PubMed 34874912 (cited by Women's Health and Genetics/Laboratory Corporation of America, LabCorp); PubMed 35477481 (cited by Women's Health and Genetics/Laboratory Corporation of America, LabCorp); PubMed 24397708 (cited by Women's Health and Genetics/Laboratory Corporation of America, LabCorp); PubMed 40269797 (cited by Women's Health and Genetics/Laboratory Corporation of America, LabCorp); PubMed 29847651 (cited by Women's Health and Genetics/Laboratory Corporation of America, LabCorp and Labcorp Genetics (formerly Invitae), Labcorp); PubMed 22264887 (cited by Women's Health and Genetics/Laboratory Corporation of America, LabCorp and Labcorp Genetics (formerly Invitae), Labcorp); PubMed 28559085 (cited by Labcorp Genetics (formerly Invitae), Labcorp); PubMed 29847635 (cited by Labcorp Genetics (formerly Invitae), Labcorp).

NM_000350.3(ABCA4):c.6229C>G (p.Arg2077Gly)

Gene: ABCA4 (ATP binding cassette subfamily A member 4; minus strand). Cytogenetic location: 1p22.1.
Variant type: single nucleotide variant.
Coding change: c.6229C>G on transcript NM_000350.3 (MANE Select); coding-DNA position 6229, C replaced by G.
Protein change: p.Arg2077Gly; replaces arginine 2077 with glycine.
Molecular consequence: missense variant.
Genome position (GRCh38, 1-based): chr1:94,001,911, G>C on the plus strand (C>G on the coding strand, the complement: ABCA4 is on the minus strand). VCF-style: chr1-94001911-G-C. GRCh37 (hg19) VCF-style: chr1-94467467-G-C.
Other names: c.6007C>G, p.Arg2003Gly (NM_001425324.1); short protein forms R2077G, R2003G.
Identifiers: ClinVar variation 99437 (VCV000099437.14), dbSNP rs61750645, ClinGen allele CA227379.
Genomic context (GRCh38, chr1:94,001,911, plus strand): 5'-CAGTTACCAGCAGCACCAGCGGTGGGCAGCCAATGAGTGCGATGGCTGTGGAGAGTTTCC[G>C]CTTGTTGCCCCCACTGTACGTGCCAGCCAGGCAGTCGGCGTAGACAGTCAGGCCCAGGCT-3'
Protein context (NP_000341.2, residues 2067-2087): LAGTYSGGNK[Arg2077Gly]KLSTAIALIG